The following is an entry in ClinVar:

NM_001128840.3(CACNA1D):c.939C>G (p.Asp313Glu)

Gene: CACNA1D (calcium voltage-gated channel subunit alpha1 D; plus strand). Cytogenetic location: 3p21.1.
Variant type: single nucleotide variant.
Coding change: c.939C>G on transcript NM_001128840.3 (MANE Select); coding-DNA position 939, C replaced by G.
Protein change: p.Asp313Glu; replaces aspartic acid 313 with glutamic acid.
Molecular consequence: missense variant.
Genome position (GRCh38, 1-based): chr3:53,666,358, C>G. VCF-style: chr3-53666358-C-G. GRCh37 (hg19) VCF-style: chr3-53700385-C-G.
Other names: c.939C>G, p.Asp313Glu (NM_000720.4, NM_001128839.3); short protein forms D313E.
Identifiers: ClinVar variation 1719066 (VCV001719066.5), dbSNP rs2473027663, ClinGen allele CA353383333.

ClinVar aggregate classification (germline): Uncertain significance (1 of 4 stars; one submission).

Submission:

Labcorp Genetics (formerly Invitae), Labcorp
Classification: Uncertain significance. Last evaluated: 2022-09-08. Review status: criteria provided, single submitter. Criteria: Invitae Variant Classification Sherloc (09022015). Collection method: clinical testing. Allele origin: germline.
Comment: In summary, the available evidence is currently insufficient to determine the role of this variant in disease. Therefore, it has been classified as a Variant of Uncertain Significance. Advanced modeling of protein sequence and biophysical properties (such as structural, functional, and spatial information, amino acid conservation, physicochemical variation, residue mobility, and thermodynamic stability) performed at Invitae indicates that this missense variant is not expected to disrupt CACNA1D protein function. This variant has not been reported in the literature in individuals affected with CACNA1D-related conditions. This variant is not present in population databases (gnomAD no frequency). This sequence change replaces aspartic acid, which is acidic and polar, with glutamic acid, which is acidic and polar, at codon 313 of the CACNA1D protein (p.Asp313Glu).